The following is an entry in ClinVar:

ClinVar aggregate classification (germline): Uncertain significance. Review status: criteria provided, single submitter (1 of 4 stars). 2 submissions from 2 submitters: Uncertain significance (1). 1 of the submissions does not count toward it. Last evaluated 2021-08-31.

Conditions:
Nemaline myopathy 2 (NEM2). Also called: Nemaline myopathy 2, autosomal recessive. Identifiers: MedGen C1850569, MONDO:0009725, OMIM 256030.

Submissions (2):

Labcorp Genetics (formerly Invitae), Labcorp
Classification: Uncertain significance for Nemaline myopathy 2. Last evaluated: 2021-08-31. Review status: criteria provided, single submitter. Criteria: Invitae Variant Classification Sherloc (09022015). Collection method: clinical testing. Allele origin: germline.
Comment: This sequence change replaces valine with methionine at codon 577 of the NEB protein (p.Val577Met). The valine residue is moderately conserved and there is a small physicochemical difference between valine and methionine. This variant is not present in population databases (ExAC no frequency). This variant has not been reported in the literature in individuals affected with NEB-related conditions. Algorithms developed to predict the effect of missense changes on protein structure and function are either unavailable or do not agree on the potential impact of this missense change (SIFT: "Deleterious"; PolyPhen-2: "Not Available"; Align-GVGD: "Class C0"). In summary, the available evidence is currently insufficient to determine the role of this variant in disease. Therefore, it has been classified as a Variant of Uncertain Significance.

Natera, Inc.
Classification: Uncertain significance for Nemaline myopathy type 2. Last evaluated: 2020-03-20. Review status: no assertion criteria provided. Collection method: clinical testing. Allele origin: germline. Not counted in ClinVar's aggregate classification.

NM_001164508.2(NEB):c.1729G>A (p.Val577Met)

Gene: NEB (nebulin; minus strand). Cytogenetic location: 2q23.3.
Variant type: single nucleotide variant.
Coding change: c.1729G>A on transcript NM_001164508.2 (MANE Select); coding-DNA position 1729, G replaced by A.
Protein change: p.Val577Met; replaces valine 577 with methionine.
Molecular consequence: missense variant.
Genome position (GRCh38, 1-based): chr2:151,694,575, C>T on the plus strand (G>A on the coding strand, the complement: NEB is on the minus strand). VCF-style: chr2-151694575-C-T. GRCh37 (hg19) VCF-style: chr2-152551089-C-T.
Other names: c.1729G>A, p.Val577Met (NM_001164507.2, NM_001271208.2, NM_004543.5); short protein forms V577M.
Identifiers: ClinVar variation 573666 (VCV000573666.10), dbSNP rs1419317928, ClinGen allele CA348824661.